The following is an entry in ClinVar:

ClinVar aggregate classification (germline): Uncertain significance (1 of 4 stars; one submission).

Allele frequency attached by ClinVar (database versions not stated): gnomAD exomes below 0.00001; TOPMed 0.00001.
gnomAD v4.1: 2 of 1,614,004 alleles (0.00012%); highest among the groups gnomAD compares: Admixed American, 0.0017%; no homozygotes.

Submission:

Labcorp Genetics (formerly Invitae), Labcorp
Classification: Uncertain significance. Last evaluated: 2026-01-19. Review status: criteria provided, single submitter. Criteria: Invitae Variant Classification Sherloc (09022015). Collection method: clinical testing. Allele origin: germline.
Comment: This sequence change replaces valine, which is neutral and non-polar, with methionine, which is neutral and non-polar, at codon 159 of the STN1 protein (p.Val159Met). This variant is not present in population databases (gnomAD no frequency). This variant has not been reported in the literature in individuals affected with STN1-related conditions. ClinVar contains an entry for this variant (Variation ID: 1391375). Invitae Evidence Modeling of protein sequence and biophysical properties (such as structural, functional, and spatial information, amino acid conservation, physicochemical variation, residue mobility, and thermodynamic stability) indicates that this missense variant is not expected to disrupt STN1 protein function with a negative predictive value of 80%. In summary, the available evidence is currently insufficient to determine the role of this variant in disease. Therefore, it has been classified as a Variant of Uncertain Significance.

NM_024928.5(STN1):c.475G>A (p.Val159Met)

Gene: STN1 (STN1 subunit of CST complex; minus strand). Cytogenetic location: 10q24.33.
Variant type: single nucleotide variant.
Coding change: c.475G>A on transcript NM_024928.5 (MANE Select); coding-DNA position 475, G replaced by A.
Protein change: p.Val159Met; replaces valine 159 with methionine.
Molecular consequence: missense variant.
Genome position (GRCh38, 1-based): chr10:103,898,983, C>T on the plus strand (G>A on the coding strand, the complement: STN1 is on the minus strand). VCF-style: chr10-103898983-C-T. GRCh37 (hg19) VCF-style: chr10-105658741-C-T.
Other names: short protein forms V159M.
Identifiers: ClinVar variation 1391375 (VCV001391375.6), dbSNP rs1210351560, ClinGen allele CA378046694.